The following is an entry in ClinVar:

NM_015215.4(CAMTA1):c.1498G>T (p.Gly500Cys)

Gene: CAMTA1 (calmodulin binding transcription activator 1; plus strand). Cytogenetic location: 1p36.23.
Variant type: single nucleotide variant.
Coding change: c.1498G>T on transcript NM_015215.4 (MANE Select); coding-DNA position 1498, G replaced by T.
Protein change: p.Gly500Cys; replaces glycine 500 with cysteine.
Molecular consequence: missense variant.
Genome position (GRCh38, 1-based): chr1:7,664,045, G>T. VCF-style: chr1-7664045-G-T. GRCh37 (hg19) VCF-style: chr1-7724105-G-T.
Other names: c.1408G>T, p.Gly470Cys (NM_001349608.2, NM_001349612.2); c.1498G>T, p.Gly500Cys (NM_001349609.2, NM_001349610.2, NM_001410737.1); c.1426G>T, p.Gly476Cys (NM_001410738.1); short protein forms G500C, G470C, G476C.
Identifiers: ClinVar variation 2068954 (VCV002068954.4), dbSNP rs181017254, ClinGen allele CA566453.
Genomic context (GRCh38, chr1:7,664,045, plus strand): 5'-ACCATGAACTTTGACCCCGACTGTTTCCTTAATAACCCAAAGCAGGGCCAGACGTACGGG[G>T]GTGGAGGCCTGAAAGCCGAGATGGTCAGCTCCAACATCCGGCACTCGCCACCCGGGGAGC-3'
Protein context (NP_056030.1, residues 490-510): NNPKQGQTYG[Gly500Cys]GGLKAEMVSS

ClinVar aggregate classification (germline): Uncertain significance (1 of 4 stars; one submission).

Allele frequency attached by ClinVar (database versions not stated): ESP Exome Variant Server 0.00008; gnomAD exomes 0.00007; ExAC 0.00008; gnomAD 0.00003; TOPMed 0.00003; 1000 Genomes Project 30x 0.00016; 1000 Genomes Project 0.00020.
gnomAD v4.1: 109 of 1,613,884 alleles (0.0068%); highest among the groups gnomAD compares: Non-Finnish European, 0.0087%; no homozygotes.

Submission:

Labcorp Genetics (formerly Invitae), Labcorp
Classification: Uncertain significance. Last evaluated: 2023-10-13. Review status: criteria provided, single submitter. Criteria: Invitae Variant Classification Sherloc (09022015). Collection method: clinical testing. Allele origin: germline.
Comment: This sequence change replaces glycine, which is neutral and non-polar, with cysteine, which is neutral and slightly polar, at codon 500 of the CAMTA1 protein (p.Gly500Cys). This variant is present in population databases (rs181017254, gnomAD 0.01%). This variant has not been reported in the literature in individuals affected with CAMTA1-related conditions. ClinVar contains an entry for this variant (Variation ID: 2068954). An algorithm developed to predict the effect of missense changes on protein structure and function (PolyPhen-2) suggests that this variant is likely to be disruptive. In summary, the available evidence is currently insufficient to determine the role of this variant in disease. Therefore, it has been classified as a Variant of Uncertain Significance.